The following is an entry in ClinVar:

NM_000254.3(MTR):c.3548A>G (p.His1183Arg)

Gene: MTR (5-methyltetrahydrofolate-homocysteine methyltransferase; plus strand). Cytogenetic location: 1q43.
Variant type: single nucleotide variant.
Coding change: c.3548A>G on transcript NM_000254.3 (MANE Select); coding-DNA position 3548, A replaced by G.
Protein change: p.His1183Arg; replaces histidine 1183 with arginine.
Molecular consequence: missense variant.
Genome position (GRCh38, 1-based): chr1:236,895,500, A>G. VCF-style: chr1-236895500-A-G. GRCh37 (hg19) VCF-style: chr1-237058800-A-G.
Other names: c.3395A>G, p.His1132Arg (NM_001291939.1); c.2327A>G, p.His776Arg (NM_001291940.2); c.3359A>G, p.His1120Arg (NM_001410942.1); c.3548A>G (NM_000254.2); short protein forms H1120R, H1132R, H1183R, H776R.
Identifiers: ClinVar variation 1720617 (VCV001720617.7), dbSNP rs2528536941, ClinGen allele CA345390381.

ClinVar aggregate classification (germline): Uncertain significance. Review status: criteria provided, multiple submitters, no conflicts (2 of 4 stars). 2 submissions from 2 submitters: Uncertain significance (2). Last evaluated 2023-03-22.

Conditions:
Inborn genetic diseases. Identifiers: MedGen C0950123, MeSH D030342.
Methylcobalamin deficiency type cblG (HMAG). Also called: Functional methionine synthase deficiency type cblG; HOMOCYSTINURIA-MEGALOBLASTIC ANEMIA, cblG TYPE; HOMOCYSTINURIA-MEGALOBLASTIC ANEMIA, cblG COMPLEMENTATION TYPE; HOMOCYSTINURIA-MEGALOBLASTIC ANEMIA DUE TO DEFECT IN COBALAMIN METABOLISM, cblG COMPLEMENTATION TYPE. Identifiers: Orphanet 2170, Orphanet 622, MedGen C1855128, MONDO:0009609, OMIM 250940.

Allele frequency attached by ClinVar (database versions not stated): gnomAD exomes below 0.00001.
gnomAD v4.1: 2 of 1,593,810 alleles (0.00013%); highest among the groups gnomAD compares: South Asian, 0.0023%; no homozygotes.

Submissions (2):

Labcorp Genetics (formerly Invitae), Labcorp
Classification: Uncertain significance for Methylcobalamin deficiency type cblG. Last evaluated: 2023-03-22. Review status: criteria provided, single submitter. Criteria: Invitae Variant Classification Sherloc (09022015). Collection method: clinical testing. Allele origin: germline.
Comment: In summary, the available evidence is currently insufficient to determine the role of this variant in disease. Therefore, it has been classified as a Variant of Uncertain Significance. Advanced modeling of protein sequence and biophysical properties (such as structural, functional, and spatial information, amino acid conservation, physicochemical variation, residue mobility, and thermodynamic stability) performed at Invitae indicates that this missense variant is expected to disrupt MTR protein function. ClinVar contains an entry for this variant (Variation ID: 1720617). This variant has not been reported in the literature in individuals affected with MTR-related conditions. This variant is not present in population databases (gnomAD no frequency). This sequence change replaces histidine, which is basic and polar, with arginine, which is basic and polar, at codon 1183 of the MTR protein (p.His1183Arg).

Ambry Genetics
Classification: Uncertain significance for Inborn genetic diseases. Last evaluated: 2022-07-20. Review status: criteria provided, single submitter. Criteria: Ambry Variant Classification Scheme 2023. Collection method: clinical testing. Allele origin: germline.